The following is an entry in ClinVar:

ClinVar aggregate classification (germline): Uncertain significance (1 of 4 stars; one submission).

Conditions:
Familial temporal lobe epilepsy 5. Identifiers: MedGen C3280730, MONDO:0013741, OMIM 614417.

Submission:

Neuberg Centre For Genomic Medicine, NCGM
Classification: Uncertain significance for Familial temporal lobe epilepsy 5. Last evaluated: 2023-06-22. Review status: criteria provided, single submitter. Criteria: ACMG Guidelines, 2015. Collection method: clinical testing. Allele origin: germline. Inheritance: Autosomal dominant inheritance. Affected: yes.
Comment: The observed missense c.1223T>C(p.Leu408Ser) variant in CPA6 gene has not been reported previously as a pathogenic variant nor as a benign variant, to our knowledge. This variant is absent in gnomAD Exomes. The amino acid Leu at position 408 is changed to a Ser changing protein sequence and it might alter its composition and physico-chemical properties. The amino acid change p.Leu408Ser in CPA6 is predicted as conserved by GERP++ and PhyloP across 100 vertebrates. Multiple lines of computational evidence (Polyphen - Damaging, SIFT - Damaging, and MutationTaster - Disease causing) predict a damaging effect on protein structure and function for this variant. For these reasons, this variant has been classified as Uncertain Significance.

NM_020361.5(CPA6):c.1223T>C (p.Leu408Ser)

Genes: ARFGEF1-DT (ARFGEF1 divergent transcript; plus strand), CPA6 (carboxypeptidase A6; minus strand). Cytogenetic location: 8q13.2.
Variant type: single nucleotide variant.
Coding change: c.1223T>C on transcript NM_020361.5 (MANE Select); coding-DNA position 1223, T replaced by C.
Protein change: p.Leu408Ser; replaces leucine 408 with serine.
Molecular consequence: missense variant.
Genome position (GRCh38, 1-based): chr8:67,422,595, A>G on the plus strand (T>C on the coding strand, the complement: CPA6 is on the minus strand). VCF-style: chr8-67422595-A-G. GRCh37 (hg19) VCF-style: chr8-68334830-A-G.
Other names: short protein forms L408S.
Identifiers: ClinVar variation 3377700 (VCV003377700.1).